The following is an entry in ClinVar:

ClinVar aggregate classification (germline): Likely pathogenic (1 of 4 stars; one submission).

Submission:

GeneDx
Classification: Likely pathogenic. Last evaluated: 2024-11-22. Review status: criteria provided, single submitter. Criteria: GeneDx Variant Classification Process June 2021. Collection method: clinical testing. Allele origin: germline. Affected: yes.
Comment: Canonical splice site variant predicted to result in an in-frame loss of the adjacent exon in a gene for which loss of function is a known mechanism of disease; Not observed at significant frequency in large population cohorts (gnomAD); Has not been previously published as pathogenic or benign to our knowledge

NM_020987.5(ANK3):c.212_216+1del

Gene: ANK3 (ankyrin 3; minus strand). Cytogenetic location: 10q21.2.
Variant type: Deletion.
Coding change: c.212_216+1del on transcript NM_020987.5 (MANE Select); coding-DNA position 212 through the canonical splice donor site of the intron after coding-DNA position 216, 6 bases deleted (ATCAGG; older notation c.212_216+1delATCAGG).
Molecular consequence: splice donor variant.
Genome position (GRCh38, 1-based): chr10:60,279,537-60,279,542, CCTGAT deleted on the plus strand (ATCAGG on the coding strand, the reverse complement: ANK3 is on the minus strand). VCF-style (leftmost placement, unchanged base first): chr10-60279536-ACCTGAT-A. GRCh37 (hg19) VCF-style: chr10-62039294-ACCTGAT-A.
Other names: c.194_198+1del (NM_001204403.2); c.161_165+1del (NM_001204404.2); c.212_216+1del (NM_001320874.2).
Identifiers: ClinVar variation 3378111 (VCV003378111.2).